The following is an entry in ClinVar:

NM_001365999.1(SZT2):c.7042+5G>T

Gene: SZT2 (SZT2 subunit of KICSTOR complex; plus strand). Cytogenetic location: 1p34.2.
Variant type: single nucleotide variant.
Coding change: c.7042+5G>T on transcript NM_001365999.1 (MANE Select); 5 bases into the intron after coding-DNA position 7042, G replaced by T.
Molecular consequence: intron variant.
Genome position (GRCh38, 1-based): chr1:43,439,774, G>T. VCF-style: chr1-43439774-G-T. GRCh37 (hg19) VCF-style: chr1-43905445-G-T.
Other names: c.6871+5G>T (NM_015284.4).
Identifiers: ClinVar variation 941498 (VCV000941498.3), dbSNP rs774407890, ClinGen allele CA810091.

ClinVar aggregate classification (germline): Uncertain significance (1 of 4 stars; one submission).

Allele frequency attached by ClinVar (database versions not stated): TOPMed below 0.00001; gnomAD exomes 0.00001 and 0.00004; ExAC 0.00002.
gnomAD v4.1: 7 of 1,581,482 alleles (0.00044%); highest among the groups gnomAD compares: East Asian, 0.016%; no homozygotes.

Submission:

Labcorp Genetics (formerly Invitae), Labcorp
Classification: Uncertain significance. Last evaluated: 2019-07-05. Review status: criteria provided, single submitter. Criteria: Invitae Variant Classification Sherloc (09022015). Collection method: clinical testing. Allele origin: germline.
Comment: This sequence change falls in intron 49 of the SZT2 gene. It does not directly change the encoded amino acid sequence of the SZT2 protein, but it affects a nucleotide within the consensus splice site of the intron. This variant is present in population databases (rs774407890, ExAC 0.02%). This variant has not been reported in the literature in individuals with SZT2-related conditions. Nucleotide substitutions within the consensus splice site are a relatively common cause of aberrant splicing (PMID: 17576681, 9536098). Algorithms developed to predict the effect of sequence changes on RNA splicing suggest that this variant may disrupt the consensus splice site, but this prediction has not been confirmed by published transcriptional studies. In summary, the available evidence is currently insufficient to determine the role of this variant in disease. Therefore, it has been classified as a Variant of Uncertain Significance.

Literature cited by the submitters: PubMed 17576681; PubMed 9536098.